The following is an entry in ClinVar:

ClinVar aggregate classification (germline): Benign (1 of 4 stars; one submission).

Conditions:
Hereditary spastic paraplegia 6 (SPG6). Also called: SPASTIC PARAPLEGIA 6, AUTOSOMAL DOMINANT. Identifiers: Orphanet 100988, MedGen C1838192, MONDO:0010878, OMIM 600363.

Allele frequency attached by ClinVar (database versions not stated): TOPMed 0.00006; gnomAD 0.00008 and 0.00015; 1000 Genomes Project 30x 0.00047; 1000 Genomes Project 0.00060.

Submission:

Illumina Laboratory Services, Illumina
Classification: Benign for Hereditary spastic paraplegia 6. Last evaluated: 2018-01-13. Review status: criteria provided, single submitter. Criteria: ICSL Variant Classification Criteria 13 December 2019. Collection method: clinical testing. Allele origin: germline.
Comment: This variant was observed in the ICSL laboratory as part of a predisposition screen in an ostensibly healthy population. It had not been previously curated by ICSL or reported in the Human Gene Mutation Database (HGMD: prior to June 1st, 2018), and was therefore a candidate for classification through an automated scoring system. Utilizing variant allele frequency, disease prevalence and penetrance estimates, and inheritance mode, an automated score was calculated to assess if this variant is too frequent to cause the disease. Based on the score and internal cut-off values, a variant classified as benign is not then subjected to further curation. The score for this variant resulted in a classification of benign for this disease.

NM_144599.5(NIPA1):c.*4792G>T

Gene: NIPA1 (NIPA magnesium transporter 1; plus strand). Cytogenetic location: 15q11.2.
Variant type: single nucleotide variant.
Coding change: c.*4792G>T on transcript NM_144599.5 (MANE Select); 4792 bases downstream of the stop codon, G replaced by T.
Molecular consequence: 3 prime UTR variant.
Genome position (GRCh38, 1-based): chr15:22,829,031, G>T. VCF-style: chr15-22829031-G-T. GRCh37 (hg19) VCF-style: chr15-23044037-C-A.
Other names: c.*4792G>T (NM_001142275.1).
Identifiers: ClinVar variation 315345 (VCV000315345.5), dbSNP rs139161065, ClinGen allele CA10645597.